The following is an entry in ClinVar:

NM_002133.3(HMOX1):c.715C>T (p.Arg239Trp)

Gene: HMOX1 (heme oxygenase 1; plus strand). Cytogenetic location: 22q12.3.
Variant type: single nucleotide variant.
Coding change: c.715C>T on transcript NM_002133.3 (MANE Select); coding-DNA position 715, C replaced by T.
Protein change: p.Arg239Trp; replaces arginine 239 with tryptophan.
Molecular consequence: missense variant.
Genome position (GRCh38, 1-based): chr22:35,389,942, C>T. VCF-style: chr22-35389942-C-T. GRCh37 (hg19) VCF-style: chr22-35785935-C-T.
Other names: short protein forms R239W.
Identifiers: ClinVar variation 1163764 (VCV001163764.8), dbSNP rs374813554, ClinGen allele CA10204803.
Genomic context (GRCh38, chr22:35,389,942, plus strand): 5'-GAGCTGCTGACCCATGACACCAAGGACCAGAGCCCCTCACGGGCACCAGGGCTTCGCCAG[C>T]GGGCCAGCAACAAAGTGCAAGGTGAGAGCATCCAGGAAGGGGCACTTCCTCTGGGCTACA-3'
Protein context (NP_002124.1, residues 229-249): SPSRAPGLRQ[Arg239Trp]ASNKVQDSAP

ClinVar aggregate classification (germline): Uncertain significance. Review status: criteria provided, multiple submitters, no conflicts (2 of 4 stars). 3 submissions from 3 submitters: Uncertain significance (3). Last evaluated 2025-05-28.

Allele frequency attached by ClinVar (database versions not stated): ExAC 0.00005; gnomAD 0.00004 and 0.00003; ESP Exome Variant Server 0.00008.
gnomAD v4.1: 64 of 1,611,032 alleles (0.004%); highest among the groups gnomAD compares: South Asian, 0.0055%; no homozygotes.

Submissions (3):

Ambry Genetics
Classification: Uncertain significance. Last evaluated: 2025-05-28. Review status: criteria provided, single submitter. Criteria: Ambry Variant Classification Scheme 2023. Collection method: clinical testing. Allele origin: germline.

Labcorp Genetics (formerly Invitae), Labcorp
Classification: Uncertain significance. Last evaluated: 2022-08-20. Review status: criteria provided, single submitter. Criteria: Invitae Variant Classification Sherloc (09022015). Collection method: clinical testing. Allele origin: germline.
Comment: This sequence change replaces arginine, which is basic and polar, with tryptophan, which is neutral and slightly polar, at codon 239 of the HMOX1 protein (p.Arg239Trp). The frequency data for this variant in the population databases is considered unreliable, as metrics indicate poor data quality at this position in the gnomAD database. This variant has not been reported in the literature in individuals affected with HMOX1-related conditions. ClinVar contains an entry for this variant (Variation ID: 1163764). Algorithms developed to predict the effect of missense changes on protein structure and function are either unavailable or do not agree on the potential impact of this missense change (SIFT: "Deleterious"; PolyPhen-2: "Probably Damaging"; Align-GVGD: "Class C15"). In summary, the available evidence is currently insufficient to determine the role of this variant in disease. Therefore, it has been classified as a Variant of Uncertain Significance.

Mayo Clinic Laboratories, Mayo Clinic
Classification: Uncertain significance. Last evaluated: 2020-09-22. Review status: criteria provided, single submitter. Criteria: ACMG Guidelines, 2015. Collection method: clinical testing. Allele origin: germline. Observed: 1 variant allele.